The following is an entry in ClinVar:

ClinVar aggregate classification (germline): Pathogenic (1 of 4 stars; one submission).

Conditions:
Hereditary breast ovarian cancer syndrome. Also called: BRCA1- and BRCA2-Associated Hereditary Breast and Ovarian Cancer; Breast and ovarian cancer; Hereditary breast and ovarian cancer syndrome (HBOC); Hereditary breast and ovarian cancer syndrome; Hereditary breast and/or ovarian cancer syndrome; Hereditary breast and ovarian cancer. Identifiers: Orphanet 145, MedGen C0677776, MeSH D061325, MONDO:0003582. Disease mechanism: loss of function.

Submission:

Labcorp Genetics (formerly Invitae), Labcorp
Classification: Pathogenic for Hereditary breast ovarian cancer syndrome. Last evaluated: 2024-05-15. Review status: criteria provided, single submitter. Criteria: Invitae Variant Classification Sherloc (09022015). Collection method: clinical testing. Allele origin: germline.
Comment: This sequence change creates a premature translational stop signal (p.Gln541Glufs*9) in the BRCA1 gene. It is expected to result in an absent or disrupted protein product. Loss-of-function variants in BRCA1 are known to be pathogenic (PMID: 20104584). This variant is not present in population databases (gnomAD no frequency). This variant has not been reported in the literature in individuals affected with BRCA1-related conditions. For these reasons, this variant has been classified as Pathogenic.

Literature cited by the submitters: PubMed 20104584.

NM_007294.4(BRCA1):c.1620_1621del (p.Gln541fs)

Gene: BRCA1 (BRCA1 DNA repair associated; minus strand). Cytogenetic location: 17q21.31.
Variant type: Deletion.
Coding change: c.1620_1621del on transcript NM_007294.4 (MANE Select); coding-DNA positions 1620 to 1621, 2 bases deleted (GC; older notation c.1620_1621delGC).
Protein change: p.Gln541fs; shifts the reading frame from glutamine 541.
Molecular consequence: frameshift variant. On other transcripts: intron variant (137).
Genome position (GRCh38, 1-based): chr17:43,093,910-43,093,911, GC deleted on the plus strand (GC on the coding strand, the reverse complement: BRCA1 is on the minus strand). VCF-style (leftmost placement, unchanged base first): chr17-43093909-TGC-T. GRCh37 (hg19) VCF-style: chr17-41245926-TGC-T.
Other names: c.574+833_574+834del (NM_001408493.1, NM_001408490.1, NM_001408491.1); c.1287_1288del, p.Gln430fs (NM_001407949.1, NM_001407951.1, NM_001407950.1 and 6 more transcripts); c.1284_1285del, p.Gln429fs (NM_001407954.1, NM_001407955.1, NM_001407956.1 and 1 more transcripts); c.454+833_454+834del (NM_001408502.1); c.577+833_577+834del (NM_001408479.1, NM_001408489.1, NM_001408481.1 and 9 more transcripts); c.661+833_661+834del (NM_001408445.1, NM_001408432.1, NM_001408446.1 and 6 more transcripts); c.667+1935_667+1936del (NM_001408431.1, NM_001408424.1, NM_001408421.1); c.784+833_784+834del (NM_001408407.1, NM_001408402.1, NM_001408473.1 and 13 more transcripts); and 40 more; short protein forms Q373fs, Q413fs, Q470fs, Q474fs, Q493fs, Q500fs, Q538fs, Q540fs.
Identifiers: ClinVar variation 3653443 (VCV003653443.2).
Genomic context (GRCh38, chr17:43,093,909, plus strand): 5'-GAATCACCTTTTGTTTTATTCTCATGACCACTATTAGTAATATTCATCACTTGACCATTC[TGC>T]TCCGTTTGGTTAGTTCCCTGATTTATCATTTCAGGAGTCTTTTGAACTGCCAAATCTGCT-3'